The following is an entry in ClinVar:

ClinVar aggregate classification (germline): Uncertain significance (1 of 4 stars; one submission).

Conditions:
Kabuki syndrome 1 (KABUK1). Also called: KMT2D-Related Kabuki Syndrome. Identifiers: Orphanet 2322, MedGen CN030661, MONDO:0007843, OMIM 147920.

Submission:

MVZ Medizinische Genetik Mainz
Classification: Uncertain significance for Kabuki syndrome 1. Last evaluated: 2025-11-03. Review status: criteria provided, single submitter. Criteria: UK Practice Guidelines For Variant Classification V4 01 2020. Collection method: clinical testing. Allele origin: germline. Inheritance: Autosomal dominant inheritance. Affected: yes. Observed: 1 variant allele.
Comment: ACMG Criteria: PP3_MOD,PM2_SUP,PP2

NM_003482.4(KMT2D):c.16226T>G (p.Leu5409Arg)

Gene: KMT2D (lysine methyltransferase 2D; minus strand). Cytogenetic location: 12q13.12.
Variant type: single nucleotide variant.
Coding change: c.16226T>G on transcript NM_003482.4 (MANE Select); coding-DNA position 16226, T replaced by G.
Protein change: p.Leu5409Arg; replaces leucine 5409 with arginine.
Molecular consequence: missense variant.
Genome position (GRCh38, 1-based): chr12:49,022,702, A>C on the plus strand (T>G on the coding strand, the complement: KMT2D is on the minus strand). VCF-style: chr12-49022702-A-C. GRCh37 (hg19) VCF-style: chr12-49416485-A-C.
Other names: short protein forms L5409R.
Identifiers: ClinVar variation 4532202 (VCV004532202.1).